The following is an entry in ClinVar:

NM_005859.5(PURA):c.547A>G (p.Thr183Ala)

Gene: PURA (purine rich element binding protein A; plus strand). Cytogenetic location: 5q31.3.
Variant type: single nucleotide variant.
Coding change: c.547A>G on transcript NM_005859.5 (MANE Select); coding-DNA position 547, A replaced by G.
Protein change: p.Thr183Ala; replaces threonine 183 with alanine.
Molecular consequence: missense variant.
Genome position (GRCh38, 1-based): chr5:140,114,728, A>G. VCF-style: chr5-140114728-A-G. GRCh37 (hg19) VCF-style: chr5-139494313-A-G.
Other names: short protein forms T183A.
Identifiers: ClinVar variation 2817965 (VCV002817965.4), dbSNP rs1386400193, ClinGen allele CA361491006.

ClinVar aggregate classification (germline): Uncertain significance. Review status: criteria provided, multiple submitters, no conflicts (2 of 4 stars). 2 submissions from 2 submitters: Uncertain significance (2). Last evaluated 2024-11-09.

Conditions:
PURA-related severe neonatal hypotonia-seizures-encephalopathy syndrome (NEDRIHF). Also called: PURA-Related Neurodevelopmental Disorders; NEURODEVELOPMENTAL DISORDER WITH NEONATAL RESPIRATORY INSUFFICIENCY, HYPOTONIA, AND FEEDING DIFFICULTIES. Identifiers: Orphanet 438213, Orphanet 438216, MedGen C4015357, MONDO:1060108, OMIM 616158, MONDO:0018580.
Inborn genetic diseases. Identifiers: MedGen C0950123, MeSH D030342.

Allele frequency attached by ClinVar (database versions not stated): gnomAD exomes below 0.00001.
gnomAD v4.1: 1 of 1,613,012 alleles (0.000062%); highest among the groups gnomAD compares: African/African-American, 0.0013%; no homozygotes.

Submissions (2):

Ambry Genetics
Classification: Uncertain significance for Inborn genetic diseases. Last evaluated: 2024-11-09. Review status: criteria provided, single submitter. Criteria: Ambry Variant Classification Scheme 2023. Collection method: clinical testing. Allele origin: germline.

Labcorp Genetics (formerly Invitae), Labcorp
Classification: Uncertain significance for PURA-related severe neonatal hypotonia-seizures-encephalopathy syndrome. Last evaluated: 2024-10-22. Review status: criteria provided, single submitter. Criteria: Invitae Variant Classification Sherloc (09022015). Collection method: clinical testing. Allele origin: germline.
Comment: This sequence change replaces threonine, which is neutral and polar, with alanine, which is neutral and non-polar, at codon 183 of the PURA protein (p.Thr183Ala). This variant is present in population databases (no rsID available, gnomAD 0.007%). This variant has not been reported in the literature in individuals affected with PURA-related conditions. Invitae Evidence Modeling of protein sequence and biophysical properties (such as structural, functional, and spatial information, amino acid conservation, physicochemical variation, residue mobility, and thermodynamic stability) indicates that this missense variant is not expected to disrupt PURA protein function with a negative predictive value of 95%. In summary, the available evidence is currently insufficient to determine the role of this variant in disease. Therefore, it has been classified as a Variant of Uncertain Significance.